The following is an entry in ClinVar:

ClinVar aggregate classification (germline): Uncertain significance (1 of 4 stars; one submission).

Submission:

GeneDx
Classification: Uncertain significance. Last evaluated: 2026-01-29. Review status: criteria provided, single submitter. Criteria: GeneDx Variant Classification Process June 2021. Collection method: clinical testing. Allele origin: germline.
Comment: Not observed at significant frequency in large population cohorts (gnomAD); In silico analysis suggests that this missense variant does not alter protein structure/function; Has not been previously published as pathogenic or benign to our knowledge

NM_014991.6(WDFY3):c.10032C>A (p.Asp3344Glu)

Gene: WDFY3 (WD repeat and FYVE domain containing 3; minus strand). Cytogenetic location: 4q21.23.
Variant type: single nucleotide variant.
Coding change: c.10032C>A on transcript NM_014991.6 (MANE Select); coding-DNA position 10032, C replaced by A.
Protein change: p.Asp3344Glu; replaces aspartic acid 3344 with glutamic acid.
Molecular consequence: missense variant.
Genome position (GRCh38, 1-based): chr4:84,679,034, G>T on the plus strand (C>A on the coding strand, the complement: WDFY3 is on the minus strand). VCF-style: chr4-84679034-G-T. GRCh37 (hg19) VCF-style: chr4-85600187-G-T.
Other names: short protein forms D3344E.
Identifiers: ClinVar variation 4975523 (VCV004975523.1).